The following is an entry in ClinVar:

NM_006922.4(SCN3A):c.4186G>A (p.Val1396Met)

Gene: SCN3A (sodium voltage-gated channel alpha subunit 3; minus strand). Cytogenetic location: 2q24.3.
Variant type: single nucleotide variant.
Coding change: c.4186G>A on transcript NM_006922.4 (MANE Select); coding-DNA position 4186, G replaced by A.
Protein change: p.Val1396Met; replaces valine 1396 with methionine.
Molecular consequence: missense variant.
Genome position (GRCh38, 1-based): chr2:165,097,305, C>T on the plus strand (G>A on the coding strand, the complement: SCN3A is on the minus strand). VCF-style: chr2-165097305-C-T. GRCh37 (hg19) VCF-style: chr2-165953815-C-T.
Other names: c.4039G>A, p.Val1347Met (NM_001081676.2, NM_001081677.2); short protein forms V1347M, V1396M.
Identifiers: ClinVar variation 652759 (VCV000652759.8), dbSNP rs200031995, ClinGen allele CA1938635.

ClinVar aggregate classification (germline): Uncertain significance. Review status: criteria provided, multiple submitters, no conflicts (2 of 4 stars). 3 submissions from 3 submitters: Uncertain significance (3). Last evaluated 2025-07-30.

Conditions:
Developmental and epileptic encephalopathy, 62. Also called: Early infantile epileptic encephalopathy 62. Identifiers: MedGen C4693699, MONDO:0033371, OMIM 617938.
Epilepsy, familial focal, with variable foci 4 (FFEVF4). Identifiers: MedGen C4693694, MONDO:0054776, OMIM 617935.

Allele frequency attached by ClinVar (database versions not stated): TOPMed 0.00003; ExAC 0.00004; gnomAD exomes 0.00004 and 0.00005; gnomAD 0.00005; 1000 Genomes Project 0.00020.
gnomAD v4.1: 73 of 1,614,062 alleles (0.0045%); highest among the groups gnomAD compares: Middle Eastern, 0.033%; no homozygotes.

Submissions (3):

Labcorp Genetics (formerly Invitae), Labcorp
Classification: Uncertain significance. Last evaluated: 2025-07-30. Review status: criteria provided, single submitter. Criteria: Invitae Variant Classification Sherloc (09022015). Collection method: clinical testing. Allele origin: germline.
Comment: This sequence change replaces valine, which is neutral and non-polar, with methionine, which is neutral and non-polar, at codon 1396 of the SCN3A protein (p.Val1396Met). This variant is present in population databases (rs200031995, gnomAD 0.01%). This missense change has been observed in individuals with clinical features of SCN3A-related conditions (internal data). ClinVar contains an entry for this variant (Variation ID: 652759). Invitae Evidence Modeling of protein sequence and biophysical properties (such as structural, functional, and spatial information, amino acid conservation, physicochemical variation, residue mobility, and thermodynamic stability) has been performed for this missense variant. However, the output from this modeling did not meet the statistical confidence thresholds required to predict the impact of this variant on SCN3A protein function. In summary, the available evidence is currently insufficient to determine the role of this variant in disease. Therefore, it has been classified as a Variant of Uncertain Significance.

New York Genome Center
Classification: Uncertain significance for Epilepsy, familial focal, with variable foci 4; Developmental and epileptic encephalopathy, 62. Last evaluated: 2023-05-05. Review status: criteria provided, single submitter. Criteria: NYGC Assertion Criteria 2020. Collection method: clinical testing. Allele origin: inherited. Observed: 1 heterozygote.

Fulgent Genetics
Classification: Uncertain significance for Epilepsy, familial focal, with variable foci 4; Developmental and epileptic encephalopathy, 62. Last evaluated: 2022-05-02. Review status: criteria provided, single submitter. Criteria: ACMG Guidelines, 2015. Collection method: clinical testing. Allele origin: unknown.